The following is an entry in ClinVar:

ClinVar aggregate classification (germline): Uncertain significance (1 of 4 stars; one submission).

Conditions:
Inborn genetic diseases. Identifiers: MedGen C0950123, MeSH D030342.

Submission:

Ambry Genetics
Classification: Uncertain significance for Inborn genetic diseases. Last evaluated: 2025-05-05. Review status: criteria provided, single submitter. Criteria: Ambry Variant Classification Scheme 2023. Collection method: clinical testing. Allele origin: germline.
Comment: The p.S357F variant (also known as c.1070C>T), located in coding exon 9 of the PAX5 gene, results from a C to T substitution at nucleotide position 1070. The serine at codon 357 is replaced by phenylalanine, an amino acid with highly dissimilar properties. This amino acid position is conserved. In addition, this alteration is predicted to be deleterious by in silico analysis. Based on the available evidence, the clinical significance of this variant remains unclear.

NM_016734.3(PAX5):c.1070C>T (p.Ser357Phe)

Gene: PAX5 (paired box 5; minus strand). Cytogenetic location: 9p13.2.
Variant type: single nucleotide variant.
Coding change: c.1070C>T on transcript NM_016734.3 (MANE Select); coding-DNA position 1070, C replaced by T.
Protein change: p.Ser357Phe; replaces serine 357 with phenylalanine.
Molecular consequence: missense variant. On other transcripts: non-coding transcript variant (2), intron variant (5).
Genome position (GRCh38, 1-based): chr9:36,846,872, G>A on the plus strand (C>T on the coding strand, the complement: PAX5 is on the minus strand). VCF-style: chr9-36846872-G-A. GRCh37 (hg19) VCF-style: chr9-36846869-G-A.
Other names: c.968C>T, p.Ser323Phe (NM_001280547.2); c.838C>T, p.Pro280Ser (NM_001280549.2); c.941C>T, p.Ser314Phe (NM_001280554.2); c.770C>T, p.Ser257Phe (NM_001280555.2); c.746C>T, p.Ser249Phe (NM_001280556.2); c.587-6236C>T (NM_001280551.2); c.884-6236C>T (NM_001280553.2); c.781-6236C>T (NM_001280550.2); and 2 more; short protein forms P280S, S257F, S314F, S323F, S249F, S357F.
Identifiers: ClinVar variation 3928317 (VCV003928317.1).